The following is an entry in ClinVar:

NM_147686.4(TRAF3IP2):c.1004C>T (p.Pro335Leu)

Genes: TRAF3IP2 (TRAF3 interacting protein 2; minus strand), TRAF3IP2-AS1 (TRAF3IP2 antisense RNA 1; plus strand). Cytogenetic location: 6q21.
Variant type: single nucleotide variant.
Coding change: c.1004C>T on transcript NM_147686.4 (MANE Select); coding-DNA position 1004, C replaced by T.
Protein change: p.Pro335Leu; replaces proline 335 with leucine.
Molecular consequence: missense variant.
Genome position (GRCh38, 1-based): chr6:111,580,215, G>A on the plus strand (C>T on the coding strand, the complement: TRAF3IP2 is on the minus strand). VCF-style: chr6-111580215-G-A. GRCh37 (hg19) VCF-style: chr6-111901418-G-A.
Other names: c.1004C>T, p.Pro335Leu (NM_001164281.3); c.1031C>T, p.Pro344Leu (NM_147200.3); short protein forms P335L, P344L.
Identifiers: ClinVar variation 2178509 (VCV002178509.2), dbSNP rs559874598, ClinGen allele CA3963213.

ClinVar aggregate classification (germline): Uncertain significance (1 of 4 stars; one submission).

Conditions:
Candidiasis, familial, 8 (CANDF8). Identifiers: Orphanet 1334, MedGen C3714992, MONDO:0014230, OMIM 615527.

Allele frequency attached by ClinVar (database versions not stated): gnomAD exomes 0.00001; ExAC 0.00002; TOPMed 0.00003; gnomAD 0.00005; 1000 Genomes Project 30x 0.00016; 1000 Genomes Project 0.00020.
gnomAD v4.1: 19 of 1,614,102 alleles (0.0012%); highest among the groups gnomAD compares: Middle Eastern, 0.033%; no homozygotes.

Submission:

Labcorp Genetics (formerly Invitae), Labcorp
Classification: Uncertain significance for Candidiasis, familial, 8. Last evaluated: 2022-05-25. Review status: criteria provided, single submitter. Criteria: Invitae Variant Classification Sherloc (09022015). Collection method: clinical testing. Allele origin: germline.
Comment: This variant has not been reported in the literature in individuals affected with TRAF3IP2-related conditions. In summary, the available evidence is currently insufficient to determine the role of this variant in disease. Therefore, it has been classified as a Variant of Uncertain Significance. Algorithms developed to predict the effect of missense changes on protein structure and function output the following: SIFT: "Tolerated"; PolyPhen-2: "Benign"; Align-GVGD: "Class C0". The leucine amino acid residue is found in multiple mammalian species, which suggests that this missense change does not adversely affect protein function. This variant is present in population databases (rs559874598, gnomAD 0.006%). This sequence change replaces proline, which is neutral and non-polar, with leucine, which is neutral and non-polar, at codon 335 of the TRAF3IP2 protein (p.Pro335Leu).